The following is an entry in ClinVar:

ClinVar aggregate classification (germline): Conflicting classifications of pathogenicity. Review status: criteria provided, conflicting classifications (1 of 4 stars). 2 submissions from 2 submitters: Uncertain significance (1); Likely benign (1). Last evaluated 2023-03-23.

Conditions:
Hereditary cancer-predisposing syndrome. Also called: Neoplastic Syndromes, Hereditary; Tumor predisposition; Hereditary Cancer Syndrome; Hereditary neoplastic syndrome. Identifiers: Orphanet 140162, MedGen C0027672, MeSH D009386, MONDO:0015356.

Submissions (2):

University of Washington Department of Laboratory Medicine, University of Washington
Classification: Likely benign for Hereditary cancer-predisposing syndrome. Last evaluated: 2023-03-23. Review status: criteria provided, single submitter. Criteria: Dines et al. (Genet Med. 2020). Collection method: curation. Allele origin: germline.
Comment: Missense variant in a coldspot region where missense variants are very unlikely to be pathogenic (PMID:31911673).

BRCA1 coldspot (exon 11 using historical exon numbering). Reclassification based on statistical prior probability

Ambry Genetics
Classification: Uncertain significance for Hereditary cancer-predisposing syndrome. Last evaluated: 2022-01-03. Review status: criteria provided, single submitter. Criteria: Ambry Variant Classification Scheme 2023. Collection method: clinical testing. Allele origin: germline.
Comment: The p.C226F variant (also known as c.677G>T), located in coding exon 9 of the BRCA1 gene, results from a G to T substitution at nucleotide position 677. The cysteine at codon 226 is replaced by phenylalanine, an amino acid with highly dissimilar properties. This amino acid position is well conserved in available vertebrate species. In addition, this alteration is predicted to be deleterious by in silico analysis. Since supporting evidence is limited at this time, the clinical significance of this alteration remains unclear.

NM_007294.4(BRCA1):c.677G>T (p.Cys226Phe)

Gene: BRCA1 (BRCA1 DNA repair associated; minus strand). Cytogenetic location: 17q21.31.
Variant type: single nucleotide variant.
Coding change: c.677G>T on transcript NM_007294.4 (MANE Select); coding-DNA position 677, G replaced by T.
Protein change: p.Cys226Phe; replaces cysteine 226 with phenylalanine.
Molecular consequence: missense variant. On other transcripts: non-coding transcript variant (1).
Genome position (GRCh38, 1-based): chr17:43,094,854, C>A on the plus strand (G>T on the coding strand, the complement: BRCA1 is on the minus strand). VCF-style: chr17-43094854-C-A. GRCh37 (hg19) VCF-style: chr17-41246871-C-A.
Other names: c.464G>T, p.Cys155Phe (NM_001407897.1, NM_001407898.1, NM_001407899.1 and 12 more transcripts); c.467G>T, p.Cys156Phe (NM_001407900.1, NM_001407907.1, NM_001407902.1 and 25 more transcripts); c.674G>T, p.Cys225Phe (NM_001407637.1, NM_001407638.1, NM_001407644.1 and 38 more transcripts); c.677G>T, p.Cys226Phe (NM_001407639.1, NM_001407640.1, NM_001407641.1 and 54 more transcripts); c.668G>T, p.Cys223Phe (NM_001407646.1, NM_001407647.1, NM_001408408.1); c.554G>T, p.Cys185Phe (NM_001407648.1, NM_001407664.1, NM_001407665.1 and 34 more transcripts); c.551G>T, p.Cys184Phe (NM_001407649.1, NM_001407670.1, NM_001407671.1 and 20 more transcripts); c.599G>T, p.Cys200Phe (NM_001407653.1, NM_001407654.1, NM_001407655.1 and 9 more transcripts); and 14 more; short protein forms C114F, C137F, C184F, C185F, C200F, C225F, C226F, C99F.
Identifiers: ClinVar variation 1755392 (VCV001755392.4), dbSNP rs1376262238, ClinGen allele CA10600735.
Genomic context (GRCh38, chr17:43,094,854, plus strand): 5'-AAATCATTATTACTGGGTTGATGATGTTCAGTATTTGTTACATCCGTCTCAGAAAATTCA[C>A]AAGCAGCTGAAAATATACAAAAATAACAAGGTACTCAAAAACTGAATTGTCATTAAAAAA-3'
Protein context (NP_009225.1, residues 216-236): ISLDSAKKAA[Cys226Phe]EFSETDVTNT